The following is an entry in ClinVar:

ClinVar aggregate classification (germline): Uncertain significance. Review status: criteria provided, multiple submitters, no conflicts (2 of 4 stars). 4 submissions from 4 submitters: Uncertain significance (4). Last evaluated 2024-05-20.

Conditions:
Weill-Marchesani 4 syndrome, recessive. Also called: Weill-Marchesani syndrome 4. Identifiers: Orphanet 363992, MedGen C2750787, MONDO:0013176, OMIM 613195.
Inborn genetic diseases. Identifiers: MedGen C0950123, MeSH D030342.

Allele frequency attached by ClinVar (database versions not stated): ESP Exome Variant Server 0.00008; gnomAD 0.00015; gnomAD exomes 0.00015; TOPMed 0.00015; ExAC 0.00018.
gnomAD v4.1: 484 of 1,614,074 alleles (0.03%); highest among the groups gnomAD compares: Non-Finnish European, 0.037%; 1 homozygote.

Submissions (4):

Ambry Genetics
Classification: Uncertain significance for Inborn genetic diseases. Last evaluated: 2024-05-20. Review status: criteria provided, single submitter. Criteria: Ambry Variant Classification Scheme 2023. Collection method: clinical testing. Allele origin: germline.

Mayo Clinic Laboratories, Mayo Clinic
Classification: Uncertain significance. Last evaluated: 2023-06-06. Review status: criteria provided, single submitter. Criteria: ACMG Guidelines, 2015. Collection method: clinical testing. Allele origin: germline. Observed: 1 variant allele.

Labcorp Genetics (formerly Invitae), Labcorp
Classification: Uncertain significance. Last evaluated: 2022-06-01. Review status: criteria provided, single submitter. Criteria: Invitae Variant Classification Sherloc (09022015). Collection method: clinical testing. Allele origin: germline.
Comment: This sequence change replaces alanine, which is neutral and non-polar, with glycine, which is neutral and non-polar, at codon 407 of the ADAMTS17 protein (p.Ala407Gly). This variant is present in population databases (rs201734269, gnomAD 0.03%). This variant has not been reported in the literature in individuals affected with ADAMTS17-related conditions. ClinVar contains an entry for this variant (Variation ID: 886638). Algorithms developed to predict the effect of missense changes on protein structure and function are either unavailable or do not agree on the potential impact of this missense change (SIFT: "Not Available"; PolyPhen-2: "Probably Damaging"; Align-GVGD: "Not Available"). Algorithms developed to predict the effect of sequence changes on RNA splicing suggest that this variant may disrupt the consensus splice site. In summary, the available evidence is currently insufficient to determine the role of this variant in disease. Therefore, it has been classified as a Variant of Uncertain Significance.

Illumina Laboratory Services, Illumina
Classification: Uncertain significance for Weill-Marchesani 4 syndrome, recessive. Last evaluated: 2018-01-12. Review status: criteria provided, single submitter. Criteria: ICSL Variant Classification Criteria 13 December 2019. Collection method: clinical testing. Allele origin: germline.

NM_139057.4(ADAMTS17):c.1220C>G (p.Ala407Gly)

Gene: ADAMTS17 (ADAM metallopeptidase with thrombospondin type 1 motif 17; minus strand). Cytogenetic location: 15q26.3.
Variant type: single nucleotide variant.
Coding change: c.1220C>G on transcript NM_139057.4 (MANE Select); coding-DNA position 1220, C replaced by G.
Protein change: p.Ala407Gly; replaces alanine 407 with glycine.
Molecular consequence: missense variant.
Genome position (GRCh38, 1-based): chr15:100,155,282, G>C on the plus strand (C>G on the coding strand, the complement: ADAMTS17 is on the minus strand). VCF-style: chr15-100155282-G-C. GRCh37 (hg19) VCF-style: chr15-100695487-G-C.
Other names: p.Ala407Gly; short protein forms A407G.
Identifiers: ClinVar variation 886638 (VCV000886638.8), dbSNP rs201734269, ClinGen allele CA7758331.
Genomic context (GRCh38, chr15:100,155,282, plus strand): 5'-GAGAGGTCACTTGGGTTCCGGCCTTTCACCCACTCTCCTGACATGATGTGGGACCTGCCA[G>C]CGCAAGATGAGTGGTCATCGTCGTGGTTCATGCCCAAGCTGTCCAAGAAGGAGGAGAGAG-3'
Protein context (NP_620688.2, residues 397-417): MNHDDDHSSC[Ala407Gly]GRSHIMSGEW